The following is an entry in ClinVar:

NM_130468.4(CHST14):c.687G>C (p.Glu229Asp)

Gene: CHST14 (carbohydrate sulfotransferase 14; plus strand). Cytogenetic location: 15q15.1.
Variant type: single nucleotide variant.
Coding change: c.687G>C on transcript NM_130468.4 (MANE Select); coding-DNA position 687, G replaced by C.
Protein change: p.Glu229Asp; replaces glutamic acid 229 with aspartic acid.
Molecular consequence: missense variant.
Genome position (GRCh38, 1-based): chr15:40,471,900, G>C. VCF-style: chr15-40471900-G-C. GRCh37 (hg19) VCF-style: chr15-40764099-G-C.
Other names: short protein forms E229D.
Identifiers: ClinVar variation 1014256 (VCV001014256.9), dbSNP rs766320306, ClinGen allele CA391766665.

ClinVar aggregate classification (germline): Uncertain significance (1 of 4 stars; one submission).

Conditions:
Ehlers-Danlos syndrome, musculocontractural type (EDSMC). Also called: ADDUCTED THUMB-CLUBFOOT SYNDROME; Adducted thumb, clubfoot, progressive joint and skin laxity syndrome; ARTHROGRYPOSIS, DISTAL, WITH PECULIAR FACIES AND HYDRONEPHROSIS; DUNDAR SYNDROME. Identifiers: Orphanet 2953, MedGen C1866294, MONDO:0011142.

Allele frequency attached by ClinVar (database versions not stated): gnomAD 0.00001.

Submission:

Labcorp Genetics (formerly Invitae), Labcorp
Classification: Uncertain significance for Ehlers-Danlos syndrome, musculocontractural type. Last evaluated: 2020-10-25. Review status: criteria provided, single submitter. Criteria: Invitae Variant Classification Sherloc (09022015). Collection method: clinical testing. Allele origin: germline.
Comment: In summary, the available evidence is currently insufficient to determine the role of this variant in disease. Therefore, it has been classified as a Variant of Uncertain Significance. Algorithms developed to predict the effect of missense changes on protein structure and function are either unavailable or do not agree on the potential impact of this missense change (SIFT: "Tolerated"; PolyPhen-2: "Possibly Damaging"; Align-GVGD: "Class C0"). This variant has not been reported in the literature in individuals with CHST14-related conditions. This variant is not present in population databases (ExAC no frequency). This sequence change replaces glutamic acid with aspartic acid at codon 229 of the CHST14 protein (p.Glu229Asp). The glutamic acid residue is highly conserved and there is a small physicochemical difference between glutamic acid and aspartic acid.